The following is an entry in ClinVar:

ClinVar aggregate classification (germline): Likely pathogenic (0 of 4 stars; one submission).

Conditions:
Deafness, X-linked 5 (DFNX5). Also called: DEAFNESS, X-LINKED 5, WITH PERIPHERAL NEUROPATHY; AUDITORY NEUROPATHY, X-LINKED, 1, WITH PERIPHERAL SENSORY NEUROPATHY. Identifiers: Orphanet 139583, MedGen C1845095, OMIM 300614.

Submission:

Deafness Gene Diagnosis, Xijing Hospital
Classification: Likely pathogenic for Deafness, X-linked 5. Review status: no assertion criteria provided. Collection method: clinical testing. Allele origin: unknown. Inheritance: X-linked inheritance. Affected: yes. Observed: 5 variant alleles, 5 homozygotes. Clinical features observed: auditory neuropathy.
Comment: missense mutation in conserved position, not detected in normal control (118 people), and Mutationtaster predicted as Disease Causing

NM_004208.4(AIFM1):c.1078G>C (p.Gly360Arg)

Genes: AIFM1 (apoptosis inducing factor mitochondria associated 1; minus strand), RAB33A (RAB33A, member RAS oncogene family; plus strand). Cytogenetic location: Xq26.1.
Variant type: single nucleotide variant.
Coding change: c.1078G>C on transcript NM_004208.4 (MANE Select); coding-DNA position 1078, G replaced by C.
Protein change: p.Gly360Arg; replaces glycine 360 with arginine.
Molecular consequence: missense variant. On other transcripts: 3 prime UTR variant (1), non-coding transcript variant (1).
Genome position (GRCh38, 1-based): chrX:130,136,729, C>G on the plus strand (G>C on the coding strand, the complement: AIFM1 is on the minus strand). VCF-style: chrX-130136729-C-G. GRCh37 (hg19) VCF-style: chrX-129270704-C-G.
Other names: c.61G>C, p.Gly21Arg (NM_001130846.4); c.*306G>C (NM_001130847.4); c.1066G>C, p.Gly356Arg (NM_145812.3); short protein forms G360R, G21R, G356R.
Identifiers: ClinVar variation 162485 (VCV000162485.2), dbSNP rs724160026, ClinGen allele CA175078.